The following is an entry in ClinVar:

NM_000518.5(HBB):c.15_19delinsATCTT (p.Pro6_Glu7delinsSerTer)

Genes: HBB (hemoglobin subunit beta; minus strand), LOC106099062 (HBB recombination region; plus strand), LOC107133510 (origin of replication at HBB; plus strand). Cytogenetic location: 11p15.4.
Variant type: Indel.
Coding change: c.15_19delinsATCTT on transcript NM_000518.5 (MANE Select); coding-DNA positions 15 to 19, TCCTG replaced by ATCTT.
Protein change: p.Pro6_Glu7delinsSerTer.
Molecular consequence: nonsense.
Genome position (GRCh38, 1-based): chr11:5,227,003-5,227,007, CAGGA replaced by AAGAT on the plus strand (TCCTG replaced by ATCTT on the coding strand, the reverse complement: HBB is on the minus strand). VCF-style: chr11-5227003-CAGGA-AAGAT. GRCh37 (hg19) VCF-style: chr11-5248233-CAGGA-AAGAT.
Identifiers: ClinVar variation 2573434 (VCV002573434.1), dbSNP rs2494297181, ClinGen allele CA2580615627.
Genomic context (GRCh38, chr11:5,227,003, plus strand): 5'-CACCACCAACTTCATCCACGTTCACCTTGCCCCACAGGGCAGTAACGGCAGACTTCTCCT[CAGGA>AAGAT]GTCAGATGCACCATGGTGTCTGTTTGAGGTTGCTAGTGAACACAGTTGTGTCAGAAGCAA-3'

ClinVar aggregate classification (germline): Pathogenic (1 of 4 stars; one submission).

Conditions:
Hemoglobinopathy. Also called: Hemoglobin disorder; Haemoglobinopathies. Identifiers: MedGen C0019045, MONDO:0044348.

Submission:

Women's Health and Genetics/Laboratory Corporation of America, LabCorp
Classification: Pathogenic for Hemoglobinopathy. Last evaluated: 2023-06-15. Review status: criteria provided, single submitter. Criteria: LabCorp Variant Classification Summary - May 2015. Collection method: clinical testing. Allele origin: germline.
Comment: Variant summary: HBB c.15_19delinsATCTT (p.Pro6SerfsX2) results in a premature termination codon, predicted to cause a truncation of the encoded protein or absence of the protein due to nonsense mediated decay, which are commonly known mechanisms for disease. The variant was absent in 251156 control chromosomes in GnomAD. c.15_19delinsATCTT has been reported in the literature in an individual affected with features of Hemoglobinopathy and was in trans along with another pathogenic variant c.92+5G>C in HBB (example: Agarwal_1997). The carrier mother was also reported to have classical beta-thalassemia trait. These data do not allow any conclusion about variant significance. To our knowledge, no experimental evidence demonstrating an impact on protein function has been reported. The following publication have been ascertained in the context of this evaluation (PMID: 9371533). No clinical diagnostic laboratories have submitted clinical-significance assessments for this variant to ClinVar after 2014. Based on the evidence outlined above, the variant was classified as pathogenic.

Literature cited by the submitters: PubMed 9371533.